The following is an entry in ClinVar:

NM_001927.4(DES):c.-7C>G

Gene: DES (desmin; plus strand). Cytogenetic location: 2q35.
Variant type: single nucleotide variant.
Coding change: c.-7C>G on transcript NM_001927.4 (MANE Select); 7 bases upstream of the start codon, C replaced by G.
Molecular consequence: 5 prime UTR variant.
Genome position (GRCh38, 1-based): chr2:219,418,456, C>G. VCF-style: chr2-219418456-C-G. GRCh37 (hg19) VCF-style: chr2-220283178-C-G.
Other names: c.-7C>G (LRG_380t1).
Identifiers: ClinVar variation 290155 (VCV000290155.7), dbSNP rs764966574, ClinGen allele CA2125000.
Genomic context (GRCh38, chr2:219,418,456, plus strand): 5'-ACTCTCCGGCCGGCCGCCTGCCCGCCGCCTCCTCCGTGCGCCCGCCAGCCTCGCCCGCGC[C>G]GTCACCATGAGCCAGGCCTACTCGTCCAGCCAGCGCGTGTCCTCCTACCGCCGCACCTTC-3'

ClinVar aggregate classification (germline): Conflicting classifications of pathogenicity. Review status: criteria provided, conflicting classifications (1 of 4 stars). 4 submissions from 4 submitters: Uncertain significance (2); Likely benign (2). Last evaluated 2026-01-13.

Conditions:
Dilated cardiomyopathy 1I (CMD1I). Identifiers: Orphanet 154, MedGen C1858154, MONDO:0011482, OMIM 604765.
DES-related disorder. Also called: DES-related condition.

Allele frequency attached by ClinVar (database versions not stated): gnomAD 0.00001; TOPMed 0.00005; gnomAD exomes 0.00017; ExAC 0.00024.

Submissions (4):

PreventionGenetics, part of Exact Sciences
Classification: Likely benign for DES-related condition. Last evaluated: 2026-01-13. Review status: criteria provided, single submitter. Criteria: ACMG Guidelines, 2015. Collection method: clinical testing. Allele origin: germline.
Comment: This variant is classified as likely benign based on ACMG/AMP sequence variant interpretation guidelines (Richards et al. 2015 PMID: 25741868, with internal and published modifications).

Baylor Genetics
Classification: Uncertain significance for Dilated cardiomyopathy 1I. Last evaluated: 2019-07-25. Review status: criteria provided, single submitter. Criteria: ACMG Guidelines, 2015. Collection method: clinical testing. Allele origin: unknown. Affected: yes.
Comment: This variant was determined to be of uncertain significance according to ACMG Guidelines, 2015 [PMID:25741868].

GeneDx
Classification: Likely benign. Last evaluated: 2018-03-09. Review status: criteria provided, single submitter. Criteria: GeneDx Variant Classification (06012015). Collection method: clinical testing. Allele origin: germline. Affected: yes.
Comment: This variant is considered likely benign or benign based on one or more of the following criteria: it is a conservative change, it occurs at a poorly conserved position in the protein, it is predicted to be benign by multiple in silico algorithms, and/or has population frequency not consistent with disease.

Eurofins Ntd Llc (ga)
Classification: Uncertain significance. Last evaluated: 2016-08-10. Review status: criteria provided, single submitter. Criteria: EGL Classification Definitions 2015. Collection method: clinical testing. Allele origin: germline. Observed: 1 variant allele, 1 heterozygote.